The following is an entry in ClinVar:

NM_033100.4(CDHR1):c.56-3C>T

Gene: CDHR1 (cadherin related family member 1; plus strand). Cytogenetic location: 10q23.1.
Variant type: single nucleotide variant.
Coding change: c.56-3C>T on transcript NM_033100.4 (MANE Select); 3 bases into the intron before coding-DNA position 56, C replaced by T.
Molecular consequence: intron variant.
Genome position (GRCh38, 1-based): chr10:84,195,491, C>T. VCF-style: chr10-84195491-C-T. GRCh37 (hg19) VCF-style: chr10-85955247-C-T.
Other names: c.56-3C>T (NM_001171971.3).
Identifiers: ClinVar variation 1357877 (VCV001357877.6), dbSNP rs1243550633, ClinGen allele CA594734176.

ClinVar aggregate classification (germline): Uncertain significance (1 of 4 stars; one submission).

Allele frequency attached by ClinVar (database versions not stated): gnomAD 0.00001; gnomAD exomes 0.00001 and 0.00004; TOPMed 0.00002.
gnomAD v4.1: 62 of 1,613,432 alleles (0.0038%); highest among the groups gnomAD compares: Non-Finnish European, 0.0051%; no homozygotes.

Submission:

Labcorp Genetics (formerly Invitae), Labcorp
Classification: Uncertain significance. Last evaluated: 2021-04-21. Review status: criteria provided, single submitter. Criteria: Invitae Variant Classification Sherloc (09022015). Collection method: clinical testing. Allele origin: germline.
Comment: In summary, the available evidence is currently insufficient to determine the role of this variant in disease. Therefore, it has been classified as a Variant of Uncertain Significance. Nucleotide substitutions within the consensus splice site are a relatively common cause of aberrant splicing (PMID: 17576681, 9536098). Algorithms developed to predict the effect of sequence changes on RNA splicing suggest that this variant is not likely to affect RNA splicing, but this prediction has not been confirmed by published transcriptional studies. This variant has not been reported in the literature in individuals with CDHR1-related conditions. This variant is not present in population databases (ExAC no frequency). This sequence change falls in intron 1 of the CDHR1 gene. It does not directly change the encoded amino acid sequence of the CDHR1 protein. It affects a nucleotide within the consensus splice site of the intron.

Literature cited by the submitters: PubMed 17576681; PubMed 9536098.